The following is an entry in ClinVar:

NC_000001.11:g.12893453C>T

Genes: PRAMEF10 (PRAME family member 10; minus strand), PRAMEF33 (PRAME family member 33; plus strand). Cytogenetic location: 1p36.21.
Variant type: single nucleotide variant.
Molecular consequence: synonymous variant (on NM_001039361.4).
Genome position: GRCh38 VCF-style: chr1-12893453-C-T. GRCh37 (hg19) VCF-style: chr1-12953284-C-T.
Other names: c.888G>A, p.Gly296= (NM_001039361.4).
Identifiers: ClinVar variation 2638281 (VCV002638281.24), dbSNP rs1335109079, ClinGen allele CA887989367.

ClinVar aggregate classification (germline): Likely benign (1 of 4 stars; one submission).

Allele frequency attached by ClinVar (database versions not stated): gnomAD 0.00011; 1000 Genomes Project 30x 0.00016.

Submission:

CeGaT Center for Human Genetics Tuebingen
Classification: Likely benign. Last evaluated: 2023-06-01. Review status: criteria provided, single submitter. Criteria: CeGaT Center For Human Genetics Tuebingen Variant Classification Criteria Version 2. Collection method: clinical testing. Allele origin: germline. Affected: yes. Observed: 1 variant allele.
Comment: PRAMEF33: PM2:Supporting, BP4, BP7